The following is an entry in ClinVar:

ClinVar aggregate classification (germline): Uncertain significance (1 of 4 stars; one submission).

Allele frequency attached by ClinVar (database versions not stated): gnomAD exomes below 0.00001.
gnomAD v4.1: 1 of 1,613,544 alleles (0.000062%); highest among the groups gnomAD compares: Non-Finnish European, 0.000085%; no homozygotes.

Submission:

Labcorp Genetics (formerly Invitae), Labcorp
Classification: Uncertain significance. Last evaluated: 2021-09-01. Review status: criteria provided, single submitter. Criteria: Invitae Variant Classification Sherloc (09022015). Collection method: clinical testing. Allele origin: germline.
Comment: This sequence change replaces arginine with lysine at codon 1391 of the USH2A protein (p.Arg1391Lys). The arginine residue is highly conserved and there is a small physicochemical difference between arginine and lysine. This variant is not present in population databases (ExAC no frequency). This variant has not been reported in the literature in individuals affected with USH2A-related conditions. Algorithms developed to predict the effect of missense changes on protein structure and function output the following: SIFT: "Deleterious"; PolyPhen-2: "Possibly Damaging"; Align-GVGD: "Class C0". The lysine amino acid residue is found in multiple mammalian species, which suggests that this missense change does not adversely affect protein function. In summary, the available evidence is currently insufficient to determine the role of this variant in disease. Therefore, it has been classified as a Variant of Uncertain Significance.

NM_206933.4(USH2A):c.4172G>A (p.Arg1391Lys)

Genes: USH2A (usherin; minus strand), USH2A-AS1 (USH2A antisense RNA 1; plus strand). Cytogenetic location: 1q41.
Variant type: single nucleotide variant.
Coding change: c.4172G>A on transcript NM_206933.4 (MANE Select); coding-DNA position 4172, G replaced by A.
Protein change: p.Arg1391Lys; replaces arginine 1391 with lysine.
Molecular consequence: missense variant.
Genome position (GRCh38, 1-based): chr1:216,196,632, C>T on the plus strand (G>A on the coding strand, the complement: USH2A is on the minus strand). VCF-style: chr1-216196632-C-T. GRCh37 (hg19) VCF-style: chr1-216369974-C-T.
Other names: c.4172G>A, p.Arg1391Lys (NM_007123.6); short protein forms R1391K.
Identifiers: ClinVar variation 1016845 (VCV001016845.6), dbSNP rs1239652746, ClinGen allele CA344866411.